The following is an entry in ClinVar:

ClinVar aggregate classification (germline): Uncertain significance (0 of 4 stars; one submission).

Conditions:
ELF4-related disorder. Also called: ELF4-related condition.

gnomAD v4.1: 33 of 1,210,194 alleles (0.0027%); highest among the groups gnomAD compares: African/African-American, 0.0087%; no homozygotes.

Submission:

PreventionGenetics, part of Exact Sciences
Classification: Uncertain significance for ELF4-related condition. Last evaluated: 2024-05-21. Review status: no assertion criteria provided. Collection method: clinical testing. Allele origin: germline.
Comment: The ELF4 c.1496C>T variant is predicted to result in the amino acid substitution p.Pro499Leu. To our knowledge, this variant has not been reported in the literature. This variant is reported in 0.0055% of alleles in individuals of African descent in gnomAD. At this time, the clinical significance of this variant is uncertain due to the absence of conclusive functional and genetic evidence.

NM_001421.4(ELF4):c.1496C>T (p.Pro499Leu)

Gene: ELF4 (E74 like ETS transcription factor 4; minus strand). Cytogenetic location: Xq26.1.
Variant type: single nucleotide variant.
Coding change: c.1496C>T on transcript NM_001421.4 (MANE Select); coding-DNA position 1496, C replaced by T.
Protein change: p.Pro499Leu; replaces proline 499 with leucine.
Molecular consequence: missense variant.
Genome position (GRCh38, 1-based): chrX:130,067,217, G>A on the plus strand (C>T on the coding strand, the complement: ELF4 is on the minus strand). VCF-style: chrX-130067217-G-A. GRCh37 (hg19) VCF-style: chrX-129201192-G-A.
Other names: c.1496C>T, p.Pro499Leu (NM_001127197.2); short protein forms P499L.
Identifiers: ClinVar variation 3351151 (VCV003351151.1).